The following is an entry in ClinVar:

ClinVar aggregate classification (germline): Uncertain significance (1 of 4 stars; one submission).

Submission:

GeneDx
Classification: Uncertain significance. Last evaluated: 2023-03-24. Review status: criteria provided, single submitter. Criteria: GeneDx Variant Classification Process June 2021. Collection method: clinical testing. Allele origin: germline. Affected: yes.
Comment: Not observed in large population cohorts (gnomAD); In silico analysis, which includes protein predictors and evolutionary conservation, supports a deleterious effect; Has not been previously published as pathogenic or benign to our knowledge

NM_017934.7(PHIP):c.2918C>T (p.Ala973Val)

Genes: IRAK1BP1 (interleukin 1 receptor associated kinase 1 binding protein 1; plus strand), PHIP (pleckstrin homology domain interacting protein; minus strand). Cytogenetic location: 6q14.1.
Variant type: single nucleotide variant.
Coding change: c.2918C>T on transcript NM_017934.7 (MANE Select); coding-DNA position 2918, C replaced by T.
Protein change: p.Ala973Val; replaces alanine 973 with valine.
Molecular consequence: missense variant.
Genome position (GRCh38, 1-based): chr6:78,970,860, G>A on the plus strand (C>T on the coding strand, the complement: PHIP is on the minus strand). VCF-style: chr6-78970860-G-A. GRCh37 (hg19) VCF-style: chr6-79680577-G-A.
Other names: short protein forms A973V.
Identifiers: ClinVar variation 1312345 (VCV001312345.3), dbSNP rs1767489395, ClinGen allele CA364648377.